The following is an entry in ClinVar:

NM_002691.4(POLD1):c.2037C>A (p.Asp679Glu)

Gene: POLD1 (DNA polymerase delta 1, catalytic subunit; plus strand). Cytogenetic location: 19q13.33.
Variant type: single nucleotide variant.
Coding change: c.2037C>A on transcript NM_002691.4 (MANE Select); coding-DNA position 2037, C replaced by A.
Protein change: p.Asp679Glu; replaces aspartic acid 679 with glutamic acid.
Molecular consequence: missense variant. On other transcripts: non-coding transcript variant (1).
Genome position (GRCh38, 1-based): chr19:50,409,549, C>A. VCF-style: chr19-50409549-C-A. GRCh37 (hg19) VCF-style: chr19-50912806-C-A.
Other names: c.2037C>A, p.Asp679Glu (NM_001256849.1); c.2115C>A, p.Asp705Glu (NM_001308632.1); c.2037C>A (NM_002691.2); short protein forms D679E, D705E.
Identifiers: ClinVar variation 939815 (VCV000939815.10), dbSNP rs1283059353, ClinGen allele CA406982500.

ClinVar aggregate classification (germline): Uncertain significance. Review status: criteria provided, multiple submitters, no conflicts (2 of 4 stars). 2 submissions from 2 submitters: Uncertain significance (2). Last evaluated 2026-08-03.

Conditions:
Hereditary cancer-predisposing syndrome. Also called: Neoplastic Syndromes, Hereditary; Hereditary Cancer Syndrome; Tumor predisposition; Hereditary neoplastic syndrome. Identifiers: Orphanet 140162, MedGen C0027672, MeSH D009386, MONDO:0015356.
POLD1-related polyposis and colorectal cancer syndrome (CRCS10). Also called: COLORECTAL CANCER, SUSCEPTIBILITY TO, ON CHROMOSOME 19q; Colorectal cancer 10; Colorectal cancer, susceptibility to, 10. Identifiers: Orphanet 220460, MedGen C2675481, MONDO:0012953, OMIM 612591.

Allele frequency attached by ClinVar (database versions not stated): gnomAD exomes below 0.00001; TOPMed below 0.00001.
gnomAD v4.1: 1 of 1,613,508 alleles (0.000062%); highest among the groups gnomAD compares: South Asian, 0.0011%; no homozygotes.

Submissions (2):

Ambry Genetics
Classification: Uncertain significance for Hereditary cancer-predisposing syndrome. Last evaluated: 2026-08-03. Review status: criteria provided, single submitter. Criteria: Ambry Variant Classification Scheme 2023. Collection method: clinical testing. Allele origin: germline.
Comment: The p.D679E variant (also known as c.2037C>A), located in coding exon 16 of the POLD1 gene, results from a C to A substitution at nucleotide position 2037. The aspartic acid at codon 679 is replaced by glutamic acid, an amino acid with highly similar properties. This amino acid position is highly conserved in available vertebrate species. In addition, this alteration is predicted to be tolerated by in silico analysis. Based on the available evidence, the clinical significance of this variant remains unclear.

Labcorp Genetics (formerly Invitae), Labcorp
Classification: Uncertain significance for POLD1-related polyposis and colorectal cancer syndrome. Last evaluated: 2024-05-14. Review status: criteria provided, single submitter. Criteria: Invitae Variant Classification Sherloc (09022015). Collection method: clinical testing. Allele origin: germline.
Comment: This sequence change replaces aspartic acid, which is acidic and polar, with glutamic acid, which is acidic and polar, at codon 679 of the POLD1 protein (p.Asp679Glu). This variant is present in population databases (no rsID available, gnomAD 0.003%). This variant has not been reported in the literature in individuals affected with POLD1-related conditions. ClinVar contains an entry for this variant (Variation ID: 939815). Advanced modeling of protein sequence and biophysical properties (such as structural, functional, and spatial information, amino acid conservation, physicochemical variation, residue mobility, and thermodynamic stability) performed at Invitae indicates that this missense variant is not expected to disrupt POLD1 protein function with a negative predictive value of 80%. In summary, the available evidence is currently insufficient to determine the role of this variant in disease. Therefore, it has been classified as a Variant of Uncertain Significance.